The following continues an entry in ClinVar:

NM_000051.4(ATM):c.5558A>T (p.Asp1853Val)

Gene: ATM. ClinVar aggregate classification (germline): Conflicting classifications of pathogenicity. Uncertain significance (1); Benign (16); Likely benign (7).

Submissions 23 to 37 of 37:

Center for Genomics, Ann and Robert H. Lurie Children's Hospital of Chicago
Classification: Likely benign for Ataxia-telangiectasia syndrome; Familial cancer of breast. Review status: criteria provided, single submitter. Criteria: ACMG Guidelines, 2015. Collection method: clinical testing. Allele origin: germline.
Comment: This variant has been reported in the literature in numerous individuals with a variety of indications, including breast cancer, chronic lymphocytic leukemia, melanoma and common variable immunodeficiency (Teraoka 2001 PMID:11505391, Concannon 2008 PMID:18701470, Navrkalova 2013 PMID:23585524, Maxwell 2016 PMID:27153395, Casula 2019 PMID:31382929, Hargreaves 2021 PMID:34009545). Of note, multiple publications classify this variant as a benign polymorphism. This variant is present in the Genome Aggregation Database (Highest reported MAF 0.6% (881/128846) including 4 homozygotes. This variant is present in ClinVar, with several labs classifying this variant as Likely Benign or Benign (Variation ID:133623). Evolutionary conservation and computational predictive tools suggest that this variant may impact the protein. In summary, data on this variant suggests that this variant does not cause disease but requires further evidence. Therefore, this variant is classified as Likely Benign.

PreventionGenetics, part of Exact Sciences
Classification: Likely benign. Review status: criteria provided, single submitter. Criteria: ACMG Guidelines, 2015. Collection method: clinical testing. Allele origin: germline.

Institute for Biomarker Research, Medical Diagnostic Laboratories, L.L.C.
Classification: Likely benign for Hereditary cancer-predisposing syndrome. Last evaluated: 2021-09-15. Review status: no assertion criteria provided. Collection method: clinical testing. Allele origin: germline. Not counted in ClinVar's aggregate classification.

Natera, Inc.
Classification: Benign for Ataxia-telangiectasia. Last evaluated: 2019-12-09. Review status: no assertion criteria provided. Collection method: clinical testing. Allele origin: germline. Not counted in ClinVar's aggregate classification.

Counsyl
Classification: Likely benign for Ataxia-telangiectasia syndrome. Last evaluated: 2018-05-21. Review status: no assertion criteria provided. Collection method: clinical testing. Allele origin: unknown. Not counted in ClinVar's aggregate classification.

True Health Diagnostics
Classification: Likely benign for Hereditary cancer-predisposing syndrome. Last evaluated: 2017-11-14. Review status: no assertion criteria provided. Collection method: clinical testing. Allele origin: germline. Not counted in ClinVar's aggregate classification.

Genome Diagnostics Laboratory, Amsterdam University Medical Center
Classification: Likely benign for Ataxia-telangiectasia syndrome. Last evaluated: 2016-01-22. Review status: no assertion criteria provided. Criteria: ACGS Guidelines, 2013. Collection method: clinical testing. Allele origin: germline. Affected: yes. Study: VKGL Data-share Consensus. Not counted in ClinVar's aggregate classification.

ITMI
No classification provided. Condition: AllHighlyPenetrant. Last evaluated: 2013-09-19. Review status: no classification provided. Collection method: reference population. Allele origin: germline. Not counted in ClinVar's aggregate classification.
Comment: Please see associated publication for description of ethnicities

Clinical Genetics DNA and cytogenetics Diagnostics Lab, Erasmus MC, Erasmus Medical Center
Classification: Likely benign. Review status: no assertion criteria provided. Collection method: clinical testing. Allele origin: germline. Affected: yes. Study: VKGL Data-share Consensus. Not counted in ClinVar's aggregate classification.

Clinical Genetics Laboratory, Department of Pathology, Netherlands Cancer Institute
Classification: Benign. Review status: no assertion criteria provided. Collection method: clinical testing. Allele origin: germline. Affected: yes. Study: VKGL Data-share Consensus. Not counted in ClinVar's aggregate classification.

Clinical Genetics, Academic Medical Center
Classification: Benign. Review status: no assertion criteria provided. Collection method: clinical testing. Allele origin: germline. Affected: yes. Study: VKGL Data-share Consensus. Not counted in ClinVar's aggregate classification.

Department of Pathology and Laboratory Medicine, Sinai Health System
Classification: Likely benign for Malignant tumor of breast. Review status: no assertion criteria provided. Collection method: clinical testing. Allele origin: unknown. Affected: yes. Observed: 21 variant alleles. Study: The Canadian Open Genetics Repository (COGR). Not counted in ClinVar's aggregate classification.
Comment: The ATM p.Asp1853Val variant was identified in 39 of 2578 proband chromosomes (frequency: 0.02) from individuals or families with prostate, breast and ovarian cancer and was present in 4 of 880 control chromosomes (frequency: 0.005) from healthy individuals (Angele 2004, Paglia 2010, Johnson 2007, Tapia 2008). The variant was also identified in dbSNP (ID: rs1801673) as â€šÃ„ÃºWith Likely benign alleleâ€šÃ„Ã¹,ClinVar (classified as benign by Invitae, Ambry Genetics, Color Genomics; classified as likely benign by GeneDx, Prevention Genetics), Cosmic (classified as pathogenic (score 0.97)), MutDB (clasified as polymorphism), LOVD 3.0, databases. The variant was not identified in GeneInsight-COGR, ATM-LOVD, databases. The variant was identified in control databases in 1360 (6 homozygous) of 276730 chromosomes at a frequency of 0.005 increasing the likelihood this could be a low frequency benign variant (Genome Aggregation Consortium Feb 27, 2017). The p.Asp1853 residue is conserved in mammals but not in more distantly related organisms, and computational analyses (PolyPhen-2, SIFT, AlignGVGD, BLOSUM, MutationTaster) suggest that the variant may impact the protein; however, this information is not predictive enough to assume pathogenicity. The variant occurs outside of the splicing consensus sequence and in silico or computational prediction software programs (SpliceSiteFinder, MaxEntScan, NNSPLICE, GeneSplicer, HumanSpliceFinder) do not predict a difference in splicing. The variant is located with the Armadillo-type fold functional domain increasing the likelihood that it may have clinical significance. The study by Angele (2004) observed no significant differences in the frequency between the cases and controls. However, functional study by Tapia (2008) suggests a possible alteration of normal splicing due to variant affect an ESE sequence. In summary, based on the above information, the clinical significance of this variant cannot be determined with certainty at this time although we would lean towards a more benign role for this variant. This variant is classified as likely benign.

Diagnostic Laboratory, Department of Genetics, University Medical Center Groningen
Classification: Likely benign for Ataxia-telangiectasia syndrome. Review status: no assertion criteria provided. Collection method: clinical testing. Allele origin: germline. Affected: yes. Study: VKGL Data-share Consensus. Not counted in ClinVar's aggregate classification.

Joint Genome Diagnostic Labs from Nijmegen and Maastricht, Radboudumc and MUMC+
Classification: Likely benign. Review status: no assertion criteria provided. Collection method: clinical testing. Allele origin: germline. Affected: yes. Study: VKGL Data-share Consensus. Not counted in ClinVar's aggregate classification.

Laboratory of Diagnostic Genome Analysis, Leiden University Medical Center (LUMC)
Classification: Likely benign. Review status: no assertion criteria provided. Collection method: clinical testing. Allele origin: germline. Affected: yes. Study: VKGL Data-share Consensus. Not counted in ClinVar's aggregate classification.

Literature cited by the submitters: PubMed 23585524 (cited by Quest Diagnostics Nichols Institute San Juan Capistrano and Athena Diagnostics); PubMed 24728327 (cited by 3 submitters); PubMed 15756685 (cited by Quest Diagnostics Nichols Institute San Juan Capistrano and Athena Diagnostics); PubMed 24416720 (cited by Quest Diagnostics Nichols Institute San Juan Capistrano and Athena Diagnostics); PubMed 15042666 (cited by Quest Diagnostics Nichols Institute San Juan Capistrano and Athena Diagnostics); PubMed 16631465 (cited by Quest Diagnostics Nichols Institute San Juan Capistrano and Athena Diagnostics); PubMed 17351744 (cited by Quest Diagnostics Nichols Institute San Juan Capistrano and Athena Diagnostics); PubMed 11996792 (cited by Quest Diagnostics Nichols Institute San Juan Capistrano and Athena Diagnostics); PubMed 32522261 (cited by Quest Diagnostics Nichols Institute San Juan Capistrano); PubMed 34009545 (cited by Quest Diagnostics Nichols Institute San Juan Capistrano); PubMed 31382929 (cited by Quest Diagnostics Nichols Institute San Juan Capistrano); PubMed 33280026 (cited by Quest Diagnostics Nichols Institute San Juan Capistrano); PubMed 19404735 (cited by Quest Diagnostics Nichols Institute San Juan Capistrano and Athena Diagnostics); PubMed 11443540 (cited by 3 submitters); PubMed 17393301 (cited by Quest Diagnostics Nichols Institute San Juan Capistrano and Athena Diagnostics); PubMed 19638463 (cited by Quest Diagnostics Nichols Institute San Juan Capistrano and Athena Diagnostics); PubMed 19781682 (cited by Quest Diagnostics Nichols Institute San Juan Capistrano and Athena Diagnostics); PubMed 10397742 (cited by Quest Diagnostics Nichols Institute San Juan Capistrano and Athena Diagnostics); PubMed 10817650 (cited by Quest Diagnostics Nichols Institute San Juan Capistrano and Athena Diagnostics); PubMed 11606401 (cited by Quest Diagnostics Nichols Institute San Juan Capistrano and Athena Diagnostics); PubMed 12473594 (cited by Quest Diagnostics Nichols Institute San Juan Capistrano and Athena Diagnostics); PubMed 15280931 (cited by Quest Diagnostics Nichols Institute San Juan Capistrano and Athena Diagnostics); PubMed 17124347 (cited by Quest Diagnostics Nichols Institute San Juan Capistrano and Athena Diagnostics); PubMed 18701470 (cited by Quest Diagnostics Nichols Institute San Juan Capistrano and Athena Diagnostics); PubMed 9872980 (cited by Quest Diagnostics Nichols Institute San Juan Capistrano and Athena Diagnostics); PubMed 9887333 (cited by 4 submitters); PubMed 27153395 (cited by Quest Diagnostics Nichols Institute San Juan Capistrano and Athena Diagnostics); PubMed 28202063 (cited by Quest Diagnostics Nichols Institute San Juan Capistrano and Athena Diagnostics); PubMed 26898890 (cited by Quest Diagnostics Nichols Institute San Juan Capistrano and Athena Diagnostics); PubMed 27782108 (cited by Quest Diagnostics Nichols Institute San Juan Capistrano and Athena Diagnostics).